The following is an entry in ClinVar:

ClinVar aggregate classification (germline): Uncertain significance. Review status: criteria provided, multiple submitters, no conflicts (2 of 4 stars). 2 submissions from 2 submitters: Uncertain significance (2). Last evaluated 2025-11-08.

Conditions:
Inborn genetic diseases. Identifiers: MedGen C0950123, MeSH D030342.

Allele frequency attached by ClinVar (database versions not stated): ESP Exome Variant Server 0.00008; ExAC 0.00001.
gnomAD v4.1: 12 of 1,609,658 alleles (0.00075%); highest among the groups gnomAD compares: South Asian, 0.0044%; no homozygotes.

Submissions (2):

Ambry Genetics
Classification: Uncertain significance for Inborn genetic diseases. Last evaluated: 2025-11-08. Review status: criteria provided, single submitter. Criteria: Ambry Variant Classification Scheme 2023. Collection method: clinical testing. Allele origin: germline.

Labcorp Genetics (formerly Invitae), Labcorp
Classification: Uncertain significance. Last evaluated: 2022-02-09. Review status: criteria provided, single submitter. Criteria: Invitae Variant Classification Sherloc (09022015). Collection method: clinical testing. Allele origin: germline.
Comment: This sequence change replaces threonine, which is neutral and polar, with methionine, which is neutral and non-polar, at codon 167 of the ADGRG1 protein (p.Thr167Met). The frequency data for this variant in the population databases is considered unreliable, as metrics indicate poor data quality at this position in the gnomAD database. This variant has not been reported in the literature in individuals affected with ADGRG1-related conditions. Advanced modeling of protein sequence and biophysical properties (such as structural, functional, and spatial information, amino acid conservation, physicochemical variation, residue mobility, and thermodynamic stability) performed at Invitae indicates that this missense variant is not expected to disrupt ADGRG1 protein function. In summary, the available evidence is currently insufficient to determine the role of this variant in disease. Therefore, it has been classified as a Variant of Uncertain Significance.

NM_201525.4(ADGRG1):c.500C>T (p.Thr167Met)

Gene: ADGRG1 (adhesion G protein-coupled receptor G1; plus strand). Cytogenetic location: 16q21.
Variant type: single nucleotide variant.
Coding change: c.500C>T on transcript NM_201525.4 (MANE Select); coding-DNA position 500, C replaced by T.
Protein change: p.Thr167Met; replaces threonine 167 with methionine.
Molecular consequence: missense variant. On other transcripts: 5 prime UTR variant (5), intron variant (1).
Genome position (GRCh38, 1-based): chr16:57,653,215, C>T. VCF-style: chr16-57653215-C-T. GRCh37 (hg19) VCF-style: chr16-57687127-C-T.
Other names: c.500C>T, p.Thr167Met (NM_001145770.3, NM_001145771.3, NM_001145772.3 and 16 more transcripts); c.515C>T, p.Thr172Met (NM_001145773.3, NM_001370433.1); c.-26C>T (NM_001290143.2, NM_001290144.2, NM_001370451.1 and 2 more transcripts); c.500C>T (NM_005682.5); c.344C>T, p.Thr115Met (NM_001370442.1); c.111-771C>T (NM_001290142.2); short protein forms T115M, T167M, T172M.
Identifiers: ClinVar variation 2141988 (VCV002141988.4), dbSNP rs377590979, ClinGen allele CA8078408.